The following is an entry in ClinVar:

NM_006950.3(SYN1):c.925G>A (p.Asp309Asn)

Gene: SYN1 (synapsin I; minus strand). Cytogenetic location: Xp11.3.
Variant type: single nucleotide variant.
Coding change: c.925G>A on transcript NM_006950.3 (MANE Select); coding-DNA position 925, G replaced by A.
Protein change: p.Asp309Asn; replaces aspartic acid 309 with asparagine.
Molecular consequence: missense variant.
Genome position (GRCh38, 1-based): chrX:47,576,553, C>T on the plus strand (G>A on the coding strand, the complement: SYN1 is on the minus strand). VCF-style: chrX-47576553-C-T. GRCh37 (hg19) VCF-style: chrX-47435952-C-T.
Other names: c.925G>A, p.Asp309Asn (NM_133499.2); short protein forms D309N.
Identifiers: ClinVar variation 3008254 (VCV003008254.3), dbSNP rs781774222, ClinGen allele CA10398451.
Genomic context (GRCh38, chrX:47,576,553, plus strand): 5'-CTCACATGTAGGCCTTGTAGTTCTGCCCAATCTTCTGGACACGCACGTCATATTTGGCAT[C>T]GATGAAGGGCTCGGCAGTGGCATACGTCTTGGTCAGTGCCACGACACTTGCGATGTCCTG-3'
Protein context (NP_008881.2, residues 299-319): KTYATAEPFI[Asp309Asn]AKYDVRVQKI

ClinVar aggregate classification (germline): Uncertain significance (1 of 4 stars; one submission).

Conditions:
Epilepsy, X-linked 1, with variable learning disabilities and behavior disorders. Also called: X-linked epilepsy-learning disabilities-behavior disorders syndrome. Identifiers: Orphanet 85294, MedGen C5774177, MONDO:0010339, OMIM 300491.

Allele frequency attached by ClinVar (database versions not stated): gnomAD exomes below 0.00001; TOPMed below 0.00001; ExAC 0.00001; gnomAD 0.00001; 1000 Genomes Project 0.00026; 1000 Genomes Project 30x 0.00042.
gnomAD v4.1: 6 of 1,210,048 alleles (0.0005%); highest among the groups gnomAD compares: South Asian, 0.0035%; no homozygotes.

Submission:

Labcorp Genetics (formerly Invitae), Labcorp
Classification: Uncertain significance for Epilepsy, X-linked 1, with variable learning disabilities and behavior disorders. Last evaluated: 2023-05-23. Review status: criteria provided, single submitter. Criteria: Invitae Variant Classification Sherloc (09022015). Collection method: clinical testing. Allele origin: germline.
Comment: An algorithm developed to predict the effect of missense changes on protein structure and function (PolyPhen-2) suggests that this variant is likely to be disruptive. This sequence change replaces aspartic acid, which is acidic and polar, with asparagine, which is neutral and polar, at codon 309 of the SYN1 protein (p.Asp309Asn). This variant is present in population databases (rs781774222, gnomAD 0.004%). This variant has not been reported in the literature in individuals affected with SYN1-related conditions. In summary, the available evidence is currently insufficient to determine the role of this variant in disease. Therefore, it has been classified as a Variant of Uncertain Significance.